The following is an entry in ClinVar:

NM_001267550.2(TTN):c.95851_95853del (p.Lys31951del)

Genes: TTN-AS1 (TTN antisense RNA 1; plus strand), TTN (titin; minus strand). Cytogenetic location: 2q31.2.
Variant type: Deletion.
Coding change: c.95851_95853del on transcript NM_001267550.2 (MANE Select); coding-DNA positions 95851 to 95853, 3 bases deleted (AAG; older notation c.95851_95853delAAG).
Protein change: p.Lys31951del; deletes lysine 31951.
Molecular consequence: inframe deletion.
Genome position (GRCh38, 1-based): chr2:178,544,376-178,544,378, CTT deleted on the plus strand (AAG on the coding strand, the reverse complement: TTN is on the minus strand); deleting any 3 consecutive bases within chr2:178,544,376-178,544,380 gives the same sequence; the c. name uses the placement nearest the transcript's 3' end. VCF-style (leftmost placement, unchanged base first): chr2-178544375-CCTT-C. GRCh37 (hg19) VCF-style: chr2-179409102-CCTT-C.
Other names: c.90928_90930del, p.Lys30310del (NM_001256850.1); c.68656_68658del, p.Lys22886del (NM_003319.4); c.88147_88149del, p.Lys29383del (NM_133378.4); c.69031_69033del, p.Lys23011del (NM_133432.3); c.69232_69234del, p.Lys23078del (NM_133437.4); c.95851_95853delAAG (NM_001267550.2); c.88147_88149delAAG (NM_133378.4); short protein forms K29383del, K31951del, K22886del, K23011del, K23078del, K30310del.
Identifiers: ClinVar variation 263626 (VCV000263626.9), dbSNP rs752016475, ClinGen allele CA1986864.

ClinVar aggregate classification (germline): Uncertain significance. Review status: criteria provided, multiple submitters, no conflicts (2 of 4 stars). 4 submissions from 4 submitters: Uncertain significance (4). Last evaluated 2026-06-04.

Conditions:
TTN-related disorder. Also called: TTN-related condition; TTN-related disease; TTN-related disorders.
Cardiovascular phenotype. Identifiers: MedGen CN230736.

Submissions (4):

PreventionGenetics, part of Exact Sciences
Classification: Uncertain significance for TTN-related condition. Last evaluated: 2026-06-04. Review status: criteria provided, single submitter. Criteria: ACMG Guidelines, 2015. Collection method: clinical testing. Allele origin: germline.
Comment: The TTN c.95851_95853delAAG variant is predicted to result in an in-frame deletion (p.Lys31951del). To our knowledge, this variant has not been reported in the literature. This variant is reported in 0.0098% of alleles in individuals of South Asian descent in gnomAD. At this time, the clinical significance of this variant is uncertain due to the absence of conclusive functional and genetic evidence.

Revvity Omics, Revvity
Classification: Uncertain significance. Last evaluated: 2025-04-23. Review status: criteria provided, single submitter. Criteria: ACMG Guidelines, 2015. Collection method: clinical testing. Allele origin: germline.

Women's Health and Genetics/Laboratory Corporation of America, LabCorp
Classification: Uncertain significance. Last evaluated: 2024-11-26. Review status: criteria provided, single submitter. Criteria: LabCorp Variant Classification Summary - May 2015. Collection method: clinical testing. Allele origin: germline.
Comment: Variant summary: TTN c.88147_88149delAAG (p.Lys29383del) results in an in-frame deletion that is predicted to remove 1 amino acid from the encoded protein. The variant allele was found at a frequency of 1.6e-05 in 248740 control chromosomes. The available data on variant occurrences in the general population are insufficient to allow any conclusion about variant significance. To our knowledge, no occurrence of c.88147_88149delAAG in individuals affected with TTN-related conditions and no experimental evidence demonstrating its impact on protein function have been reported. ClinVar contains an entry for this variant (Variation ID: 263626). Based on the evidence outlined above, the variant was classified as uncertain significance.

Ambry Genetics
Classification: Uncertain significance for Cardiovascular phenotype. Last evaluated: 2013-05-27. Review status: criteria provided, single submitter. Criteria: Ambry Autosomal Dominant and X-Linked criteria (10/2015). Collection method: clinical testing. Allele origin: germline. Observed: 1 variant allele.
Comment: There is insufficient or conflicting evidence for classification of this alteration.